The following is an entry in ClinVar:

NM_016203.4(PRKAG2):c.187G>A (p.Val63Met)

Gene: PRKAG2 (protein kinase AMP-activated non-catalytic subunit gamma 2; minus strand). Cytogenetic location: 7q36.1.
Variant type: single nucleotide variant.
Coding change: c.187G>A on transcript NM_016203.4 (MANE Select); coding-DNA position 187, G replaced by A.
Protein change: p.Val63Met; replaces valine 63 with methionine.
Molecular consequence: missense variant.
Genome position (GRCh38, 1-based): chr7:151,781,431, C>T on the plus strand (G>A on the coding strand, the complement: PRKAG2 is on the minus strand). VCF-style: chr7-151781431-C-T. GRCh37 (hg19) VCF-style: chr7-151478517-C-T.
Other names: c.55G>A, p.Val19Met (NM_001040633.2); short protein forms V19M, V63M.
Identifiers: ClinVar variation 1420423 (VCV001420423.9), dbSNP rs1288414866, ClinGen allele CA370069956.
Genomic context (GRCh38, chr7:151,781,431, plus strand): 5'-GCTGGGGGCCTCTGGAGAAGAACCCTTTGGAGGGGCTGCCCGGGCCGAAGGGGCTGTCCA[C>T]CTGCAGAAAAACAGACGAATGGATGCAGTCACTCCACGCTCTGGACACGCTGCCTCCTGC-3'
Protein context (NP_057287.2, residues 53-73): EGSGKHSSRK[Val63Met]DSPFGPGSPS

ClinVar aggregate classification (germline): Uncertain significance. Review status: criteria provided, multiple submitters, no conflicts (2 of 4 stars). 3 submissions from 3 submitters: Uncertain significance (3). Last evaluated 2024-05-17.

Conditions:
Lethal congenital glycogen storage disease of heart. Also called: GLYCOGEN STORAGE DISEASE OF HEART; PHOSPHORYLASE KINASE DEFICIENCY OF HEART. Identifiers: Orphanet 439854, MedGen C1849813, MONDO:0009867, OMIM 261740.
Cardiomyopathy (CMYO). Also called: Cardiomyopathies. Identifiers: Orphanet 167848, MedGen C0878544, MONDO:0004994, HP:0001638. Inheritance: Various modes of inheritance.
Hypertrophic cardiomyopathy. Also called: HYPERTROPHIC MYOCARDIOPATHY. Identifiers: Orphanet 217569, MedGen C0007194, MeSH D002312, MONDO:0005045, HP:0001639.

Allele frequency attached by ClinVar (database versions not stated): gnomAD exomes below 0.00001.
gnomAD v4.1: 2 of 1,604,174 alleles (0.00012%); highest among the groups gnomAD compares: Non-Finnish European, 0.00017%; no homozygotes.

Submissions (3):

All of Us Research Program, National Institutes of Health
Classification: Uncertain significance for Hypertrophic cardiomyopathy. Last evaluated: 2024-05-17. Review status: criteria provided, single submitter. Criteria: ACMG Guidelines, 2015. Collection method: clinical testing. Allele origin: germline. Inheritance: Autosomal dominant inheritance. Observed: 1 variant allele, 1 heterozygote.
Comment: This missense variant replaces valine with methionine at codon 63 of the PRKAG2 protein. Computational prediction suggests that this variant may not impact protein structure and function (internally defined REVEL score threshold <= 0.5, PMID: 27666373). To our knowledge, functional studies have not been reported for this variant. This variant has not been reported in individuals affected with cardiovascular disorders in the literature. This variant has not been identified in the general population by the Genome Aggregation Database (gnomAD). The available evidence is insufficient to determine the role of this variant in disease conclusively. Therefore, this variant is classified as a Variant of Uncertain Significance.

This study involves interpretation of variants in research participants for the purpose of population health screening. Participant phenotype was not available at the time of variant classification. Additional details can be found in publication PMID: 35346344, PMCID: PMC8962531

Color Diagnostics, LLC DBA Color Health
Classification: Uncertain significance for Cardiomyopathy. Last evaluated: 2023-11-13. Review status: criteria provided, single submitter. Criteria: ACMG Guidelines, 2015. Collection method: clinical testing. Allele origin: germline.
Comment: This missense variant replaces valine with methionine at codon 63 of the PRKAG2 protein. Computational prediction tools indicate that this variant has a neutral impact on protein structure and function. To our knowledge, functional studies have not been reported for this variant. This variant has not been reported in individuals affected with PRKAG2-related disorders in the literature. This variant has not been identified in the general population by the Genome Aggregation Database (gnomAD). The available evidence is insufficient to determine the role of this variant in disease conclusively. Therefore, this variant is classified as a Variant of Uncertain Significance.

Labcorp Genetics (formerly Invitae), Labcorp
Classification: Uncertain significance for Lethal congenital glycogen storage disease of heart. Last evaluated: 2020-12-01. Review status: criteria provided, single submitter. Criteria: Invitae Variant Classification Sherloc (09022015). Collection method: clinical testing. Allele origin: germline.
Comment: In summary, the available evidence is currently insufficient to determine the role of this variant in disease. Therefore, it has been classified as a Variant of Uncertain Significance. Algorithms developed to predict the effect of missense changes on protein structure and function output the following: SIFT: "Tolerated"; PolyPhen-2: "Benign"; Align-GVGD: "Class C0". The methionine amino acid residue is found in multiple mammalian species, suggesting that this missense change does not adversely affect protein function. These predictions have not been confirmed by published functional studies and their clinical significance is uncertain. This variant has not been reported in the literature in individuals with PRKAG2-related conditions. This variant is not present in population databases (ExAC no frequency). This sequence change replaces valine with methionine at codon 63 of the PRKAG2 protein (p.Val63Met). The valine residue is moderately conserved and there is a small physicochemical difference between valine and methionine.